The following is an entry in ClinVar:

NM_144658.4(DOCK11):c.323A>G (p.Tyr108Cys)

Gene: DOCK11 (dedicator of cytokinesis 11; plus strand). Cytogenetic location: Xq24.
Variant type: single nucleotide variant.
Coding change: c.323A>G on transcript NM_144658.4 (MANE Select); coding-DNA position 323, A replaced by G.
Protein change: p.Tyr108Cys; replaces tyrosine 108 with cysteine.
Molecular consequence: missense variant.
Genome position (GRCh38, 1-based): chrX:118,543,524, A>G. VCF-style: chrX-118543524-A-G. GRCh37 (hg19) VCF-style: chrX-117677487-A-G.
Other names: short protein forms Y108C.
Identifiers: ClinVar variation 2444457 (VCV002444457.2), dbSNP rs1202446895, ClinGen allele CA414361209.

ClinVar aggregate classification (germline): Likely pathogenic (1 of 4 stars; one submission).

Conditions:
Inborn error of hematopoiesis and immunity with systemic inflammation and normocytic anemia.

Allele frequency attached by ClinVar (database versions not stated): gnomAD exomes below 0.00001.
gnomAD v4.1: 3 of 1,204,841 alleles (0.00025%); highest among the groups gnomAD compares: Non-Finnish European, 0.00034%; no homozygotes.

Submission:

St. Anna Children's Cancer Research Institute (CCRI)
Classification: Likely pathogenic for Inborn error of hematopoiesis and immunity with systemic inflammation and normocytic anemia. Review status: criteria provided, single submitter. Criteria: ACMG Guidelines, 2015. Collection method: research. Allele origin: germline. Inheritance: X-linked recessive inheritance. Affected: yes.
Comment: Well-established in vitro or in vivo functional studies supportive of a damaging effect on the gene or gene product. Located in a mutational hot spot and/or critical and well-established functional domain (e.g. active site of an enzyme) without benign variation. Multiple lines of computational evidence support a deleterious effect on the gene or gene product (conservation, evolutionary, splicing impact, etc).